The following is an entry in ClinVar:

ClinVar aggregate classification (germline): Uncertain significance. Review status: criteria provided, multiple submitters, no conflicts (2 of 4 stars). 2 submissions from 2 submitters: Uncertain significance (2). Last evaluated 2026-01-11.

Conditions:
Inborn genetic diseases. Identifiers: MedGen C0950123, MeSH D030342.
Myopathy, proximal, and ophthalmoplegia (CMYO6). Also called: CONGENITAL MYOPATHY 6 WITH OPHTHALMOPLEGIA; INCLUSION BODY MYOPATHY 3, AUTOSOMAL DOMINANT; MYOPATHY WITH CONGENITAL JOINT CONTRACTURES, OPHTHALMOPLEGIA, AND RIMMED VACUOLES. Identifiers: Orphanet 363677, Orphanet 79091, MedGen C1854106, MONDO:0011577, OMIM 605637.

Allele frequency attached by ClinVar (database versions not stated): gnomAD exomes 0.00005; ExAC 0.00006; TOPMed 0.00015; gnomAD 0.00018 and 0.00019; ESP Exome Variant Server 0.00023; 1000 Genomes Project 30x 0.00031; 1000 Genomes Project 0.00040.
gnomAD v4.1: 39 of 1,614,108 alleles (0.0024%); highest among the groups gnomAD compares: African/African-American, 0.048%; no homozygotes.

Submissions (2):

Labcorp Genetics (formerly Invitae), Labcorp
Classification: Uncertain significance for Myopathy, proximal, and ophthalmoplegia. Last evaluated: 2026-01-11. Review status: criteria provided, single submitter. Criteria: Invitae Variant Classification Sherloc (09022015). Collection method: clinical testing. Allele origin: germline.
Comment: This sequence change replaces glutamic acid, which is acidic and polar, with glutamine, which is neutral and polar, at codon 1020 of the MYH2 protein (p.Glu1020Gln). This variant is present in population databases (rs150248342, gnomAD 0.06%). This variant has not been reported in the literature in individuals affected with MYH2-related conditions. ClinVar contains an entry for this variant (Variation ID: 1001866). Invitae Evidence Modeling of protein sequence and biophysical properties (such as structural, functional, and spatial information, amino acid conservation, physicochemical variation, residue mobility, and thermodynamic stability) indicates that this missense variant is expected to disrupt MYH2 protein function with a positive predictive value of 80%. In summary, the available evidence is currently insufficient to determine the role of this variant in disease. Therefore, it has been classified as a Variant of Uncertain Significance.

Ambry Genetics
Classification: Uncertain significance for Inborn genetic diseases. Last evaluated: 2025-08-27. Review status: criteria provided, single submitter. Criteria: Ambry Variant Classification Scheme 2023. Collection method: clinical testing. Allele origin: germline.

NM_017534.6(MYH2):c.3058G>C (p.Glu1020Gln)

Genes: MYHAS (myosin heavy chain gene cluster antisense RNA; plus strand), MYH2 (myosin heavy chain 2; minus strand). Cytogenetic location: 17p13.1.
Variant type: single nucleotide variant.
Coding change: c.3058G>C on transcript NM_017534.6 (MANE Select); coding-DNA position 3058, G replaced by C.
Protein change: p.Glu1020Gln; replaces glutamic acid 1020 with glutamine.
Molecular consequence: missense variant.
Genome position (GRCh38, 1-based): chr17:10,529,623, C>G on the plus strand (G>C on the coding strand, the complement: MYH2 is on the minus strand). VCF-style: chr17-10529623-C-G. GRCh37 (hg19) VCF-style: chr17-10432940-C-G.
Other names: c.3058G>C (NM_017534.5); c.3058G>C, p.Glu1020Gln (NM_001100112.2); short protein forms E1020Q.
Identifiers: ClinVar variation 1001866 (VCV001001866.6), dbSNP rs150248342, ClinGen allele CA8391013.
Genomic context (GRCh38, chr17:10,529,623, plus strand): 5'-CATCATCCACTTGTTGTTCAAGTTTGATTTTAGCTTTGGTCAGGGTGTTGACTTTGTCCT[C>G]CTCTGCCTGCAGGTCATCCAGGGTCTGCTGGTGGGCCTCCTGGAGAGCCTTCTTCTCCTT-3'
Protein context (NP_060004.3, residues 1010-1030): QQTLDDLQAE[Glu1020Gln]DKVNTLTKAK